The following is an entry in ClinVar:

ClinVar aggregate classification (germline): Uncertain significance (1 of 4 stars; one submission).

Conditions:
ZFHX4-related disorder. Also called: ZFHX4-related condition.

Allele frequency attached by ClinVar (database versions not stated): TOPMed below 0.00001; gnomAD 0.00001.
gnomAD v4.1: 1 of 1,609,442 alleles (0.000062%); highest among the groups gnomAD compares: Non-Finnish European, 0.000085%; no homozygotes.

Submission:

PreventionGenetics, part of Exact Sciences
Classification: Uncertain significance for ZFHX4-related condition. Last evaluated: 2023-08-02. Review status: criteria provided, single submitter. Criteria: ACMG Guidelines, 2015. Collection method: clinical testing. Allele origin: germline.
Comment: The ZFHX4 c.7918C>G variant is predicted to result in the amino acid substitution p.Arg2640Gly. To our knowledge, this variant has not been reported in the literature or in a large population database, indicating this variant is rare. At this time, the clinical significance of this variant is uncertain due to the absence of conclusive functional and genetic evidence.

NM_024721.5(ZFHX4):c.7918C>G (p.Arg2640Gly)

Gene: ZFHX4 (zinc finger homeobox 4; plus strand). Cytogenetic location: 8q21.13.
Variant type: single nucleotide variant.
Coding change: c.7918C>G on transcript NM_024721.5 (MANE Select); coding-DNA position 7918, C replaced by G.
Protein change: p.Arg2640Gly; replaces arginine 2640 with glycine.
Molecular consequence: missense variant.
Genome position (GRCh38, 1-based): chr8:76,854,839, C>G. VCF-style: chr8-76854839-C-G. GRCh37 (hg19) VCF-style: chr8-77767075-C-G.
Other names: c.7840C>G, p.Arg2614Gly (NM_001410934.1); short protein forms R2614G, R2640G.
Identifiers: ClinVar variation 2631236 (VCV002631236.1), dbSNP rs754039043, ClinGen allele CA371520179.